The following is an entry in ClinVar:

ClinVar aggregate classification (germline): Likely benign. Review status: criteria provided, single submitter (1 of 4 stars). 2 submissions from 2 submitters: Likely benign (1). 1 of the submissions does not count toward it. Last evaluated 2024-12-08.

Conditions:
PRPH2-related disorder. Also called: PRPH2-related condition; PRPH2-related disorders. Identifiers: MedGen CN239395.

Allele frequency attached by ClinVar (database versions not stated): TOPMed 0.00001; ExAC 0.00002; gnomAD 0.00003.
gnomAD v4.1: 23 of 1,614,052 alleles (0.0014%); highest among the groups gnomAD compares: South Asian, 0.016%; no homozygotes.

Submissions (2):

Labcorp Genetics (formerly Invitae), Labcorp
Classification: Likely benign for PRPH2-related disorder. Last evaluated: 2024-12-08. Review status: criteria provided, single submitter. Criteria: Invitae Variant Classification Sherloc (09022015). Collection method: clinical testing. Allele origin: germline.

PreventionGenetics, part of Exact Sciences
Classification: Likely benign for PRPH2-related condition. Last evaluated: 2020-07-23. Review status: no assertion criteria provided. Collection method: clinical testing. Allele origin: germline. Not counted in ClinVar's aggregate classification.
Comment: This variant is classified as likely benign based on ACMG/AMP sequence variant interpretation guidelines (Richards et al. 2015 PMID: 25741868, with internal and published modifications).

NM_000322.5(PRPH2):c.864G>A (p.Thr288=)

Gene: PRPH2 (peripherin 2; minus strand). Cytogenetic location: 6p21.1.
Variant type: single nucleotide variant.
Coding change: c.864G>A on transcript NM_000322.5 (MANE Select); coding-DNA position 864, G replaced by A.
Protein change: p.Thr288=; no amino-acid change (threonine 288 retained).
Molecular consequence: synonymous variant.
Genome position (GRCh38, 1-based): chr6:42,698,472, C>T on the plus strand (G>A on the coding strand, the complement: PRPH2 is on the minus strand). VCF-style: chr6-42698472-C-T. GRCh37 (hg19) VCF-style: chr6-42666210-C-T.
Identifiers: ClinVar variation 3036138 (VCV003036138.4), dbSNP rs776760107, ClinGen allele CA3808496.